The following is an entry in ClinVar:

ClinVar aggregate classification (germline): Uncertain significance (1 of 4 stars; one submission).

Conditions:
Charcot-Marie-Tooth disease axonal type 2Z. Also called: CHARCOT-MARIE-TOOTH DISEASE, AXONAL, AUTOSOMAL DOMINANT, TYPE 2Z; CHARCOT-MARIE-TOOTH NEUROPATHY, TYPE 2Z. Identifiers: Orphanet 466768, MedGen C5569025, MONDO:0014736, OMIM 616688.

Submission:

Labcorp Genetics (formerly Invitae), Labcorp
Classification: Uncertain significance for Charcot-Marie-Tooth disease axonal type 2Z. Last evaluated: 2022-09-07. Review status: criteria provided, single submitter. Criteria: Invitae Variant Classification Sherloc (09022015). Collection method: clinical testing. Allele origin: germline.
Comment: In summary, the available evidence is currently insufficient to determine the role of this variant in disease. Therefore, it has been classified as a Variant of Uncertain Significance. Advanced modeling of protein sequence and biophysical properties (such as structural, functional, and spatial information, amino acid conservation, physicochemical variation, residue mobility, and thermodynamic stability) performed at Invitae indicates that this missense variant is not expected to disrupt MORC2 protein function. This variant has not been reported in the literature in individuals affected with MORC2-related conditions. This variant is not present in population databases (gnomAD no frequency). This sequence change replaces arginine, which is basic and polar, with glycine, which is neutral and non-polar, at codon 707 of the MORC2 protein (p.Arg707Gly).

NM_001303256.3(MORC2):c.2119C>G (p.Arg707Gly)

Gene: MORC2 (MORC family CW-type zinc finger 2; minus strand). Cytogenetic location: 22q12.2.
Variant type: single nucleotide variant.
Coding change: c.2119C>G on transcript NM_001303256.3 (MANE Select); coding-DNA position 2119, C replaced by G.
Protein change: p.Arg707Gly; replaces arginine 707 with glycine.
Molecular consequence: missense variant.
Genome position (GRCh38, 1-based): chr22:30,934,855, G>C on the plus strand (C>G on the coding strand, the complement: MORC2 is on the minus strand). VCF-style: chr22-30934855-G-C. GRCh37 (hg19) VCF-style: chr22-31330842-G-C.
Other names: c.2119C>G, p.Arg707Gly (NM_001303257.2); c.1933C>G, p.Arg645Gly (NM_014941.3); short protein forms R645G, R707G.
Identifiers: ClinVar variation 2038061 (VCV002038061.4), dbSNP rs779144529, ClinGen allele CA411234568.